The following is an entry in ClinVar:

NM_001378418.1(TCF20):c.806G>T (p.Gly269Val)

Gene: TCF20 (transcription factor 20; minus strand). Cytogenetic location: 22q13.2.
Variant type: single nucleotide variant.
Coding change: c.806G>T on transcript NM_001378418.1 (MANE Select); coding-DNA position 806, G replaced by T.
Protein change: p.Gly269Val; replaces glycine 269 with valine.
Molecular consequence: missense variant.
Genome position (GRCh38, 1-based): chr22:42,214,500, C>A on the plus strand (G>T on the coding strand, the complement: TCF20 is on the minus strand). VCF-style: chr22-42214500-C-A. GRCh37 (hg19) VCF-style: chr22-42610506-C-A.
Other names: c.806G>T, p.Gly269Val (NM_005650.4, NM_181492.3); short protein forms G269V.
Identifiers: ClinVar variation 4765587 (VCV004765587.1).

ClinVar aggregate classification (germline): Uncertain significance (1 of 4 stars; one submission).

Submission:

Labcorp Genetics (formerly Invitae), Labcorp
Classification: Uncertain significance. Last evaluated: 2025-06-24. Review status: criteria provided, single submitter. Criteria: Invitae Variant Classification Sherloc (09022015). Collection method: clinical testing. Allele origin: germline.
Comment: This sequence change replaces glycine, which is neutral and non-polar, with valine, which is neutral and non-polar, at codon 269 of the TCF20 protein (p.Gly269Val). This variant is not present in population databases (gnomAD no frequency). This variant has not been reported in the literature in individuals affected with TCF20-related conditions. An algorithm developed to predict the effect of missense changes on protein structure and function (PolyPhen-2) suggests that this variant is likely to be tolerated. In summary, the available evidence is currently insufficient to determine the role of this variant in disease. Therefore, it has been classified as a Variant of Uncertain Significance.